The following is an entry in ClinVar:

ClinVar aggregate classification (germline): Conflicting classifications of pathogenicity. Review status: criteria provided, conflicting classifications (1 of 4 stars). 17 submissions from 15 submitters: Uncertain significance (7); Benign (1); Likely benign (9). Last evaluated 2026-02-03.

Conditions:
DSP-related disorder. Also called: DSP-related condition; DSP-related disorders.
Cardiovascular phenotype. Identifiers: MedGen CN230736.
Familial restrictive cardiomyopathy (RCM). Identifiers: Orphanet 217635, MedGen C0340429, MONDO:0016340.
Arrhythmogenic cardiomyopathy with wooly hair and keratoderma. Also called: Carvajal syndrome; Dilated cardiomyopathy with woolly hair and keratoderma; PALMOPLANTAR KERATODERMA WITH LEFT VENTRICULAR CARDIOMYOPATHY AND WOOLLY HAIR; Arrhythmogenic cardiomyopathy with woolly hair and keratoderma. Identifiers: Orphanet 65282, MedGen C1854063, MONDO:0011581, OMIM 605676.
Arrhythmogenic right ventricular dysplasia 8 (ARVD8). Also called: Arrhythmogenic Right Ventricular Dysplasia/Cardiomyopathy 8; ARRHYTHMOGENIC RIGHT VENTRICULAR DYSPLASIA, FAMILIAL, 8; ARRHYTHMOGENIC RIGHT VENTRICULAR CARDIOMYOPATHY 8. Identifiers: MedGen C1843896, MONDO:0011831, OMIM 607450.
Cardiomyopathy (CMYO). Also called: Cardiomyopathies. Identifiers: Orphanet 167848, MedGen C0878544, MONDO:0004994, HP:0001638. Inheritance: Various modes of inheritance.
Woolly hair-skin fragility syndrome (WHSF). Identifiers: Orphanet 293165, MedGen C1843292, MONDO:0957307, OMIM 620415.
Lethal acantholytic epidermolysis bullosa (EBLA). Identifiers: Orphanet 158687, MedGen C1864826, MONDO:0012323, OMIM 609638.

Allele frequency attached by ClinVar (database versions not stated): gnomAD 0.00013; 1000 Genomes Project 30x 0.00016; 1000 Genomes Project 0.00020; ExAC 0.00023; ESP Exome Variant Server 0.00023; TOPMed 0.00023.
gnomAD v4.1: 377 of 1,614,046 alleles (0.023%); highest among the groups gnomAD compares: Middle Eastern, 0.53%; 3 homozygotes.

Submissions (17):

Labcorp Genetics (formerly Invitae), Labcorp
Classification: Benign for Arrhythmogenic cardiomyopathy with wooly hair and keratoderma; Arrhythmogenic right ventricular dysplasia 8. Last evaluated: 2026-02-03. Review status: criteria provided, single submitter. Criteria: Invitae Variant Classification Sherloc (09022015). Collection method: clinical testing. Allele origin: germline.

CeGaT Center for Human Genetics Tuebingen
Classification: Likely benign. Last evaluated: 2026-01-01. Review status: criteria provided, single submitter. Criteria: CeGaT Center For Human Genetics Tuebingen Variant Classification Criteria Version 2. Collection method: clinical testing. Allele origin: germline. Affected: yes. Observed: 7 variant alleles.
Comment: DSP: BP4

Women's Health and Genetics/Laboratory Corporation of America, LabCorp
Classification: Likely benign. Last evaluated: 2025-11-10. Review status: criteria provided, single submitter. Criteria: LabCorp Variant Classification Summary - May 2015. Collection method: clinical testing. Allele origin: germline.
Comment: Variant summary: DSP c.2774G>A (p.Arg925Gln) results in a conservative amino acid change in the encoded protein sequence. Algorithms developed to predict the effect of missense changes on protein structure and function all suggest that this variant is likely to be tolerated. The variant allele was found at a frequency of 0.00024 in 251362 control chromosomes, predominantly at a frequency of 0.00069 within the South Asian subpopulation in the gnomAD database. The observed variant frequency within South Asian control individuals in the gnomAD database exceeds the estimated maximal expected allele frequency for disease-causing variants in DSP. Although reported as a VUS in settings of multigene panel sequencing from cohort studies, to our knowledge, no pathogenic evidence for c.2774G>A in individuals affected with DSP-related conditions and no experimental evidence demonstrating its impact on protein function have been reported. The following publications have been ascertained in the context of this evaluation (PMID: 26743238, 26383259, 31568572). ClinVar contains an entry for this variant (Variation ID: 199875). Based on the evidence outlined above, the variant was classified as likely benign.

PreventionGenetics, part of Exact Sciences
Classification: Likely benign for DSP-related condition. Last evaluated: 2025-03-28. Review status: criteria provided, single submitter. Criteria: ACMG Guidelines, 2015. Collection method: clinical testing. Allele origin: germline.
Comment: This variant is classified as likely benign based on ACMG/AMP sequence variant interpretation guidelines (Richards et al. 2015 PMID: 25741868, with internal and published modifications).

Molecular Diagnostic Laboratory for Inherited Cardiovascular Disease, Montreal Heart Institute
Classification: Uncertain significance for Cardiovascular phenotype. Last evaluated: 2025-02-17. Review status: criteria provided, single submitter. Criteria: ACMG Guidelines, 2015. Collection method: clinical testing. Allele origin: germline. Affected: yes.

Blueprint Genetics
Classification: Likely benign. Last evaluated: 2024-10-02. Review status: criteria provided, single submitter. Criteria: ACMG Guidelines, 2015. Collection method: clinical testing. Allele origin: germline.

All of Us Research Program, National Institutes of Health
Classification: Likely benign for Arrhythmogenic cardiomyopathy with wooly hair and keratoderma. Last evaluated: 2024-09-23. Review status: criteria provided, single submitter. Criteria: ACMG Guidelines, 2015. Collection method: clinical testing. Allele origin: germline. Inheritance: Autosomal dominant inheritance. Observed: 74 variant alleles, 74 heterozygotes.
Comment: This study involves interpretation of variants in research participants for the purpose of population health screening. Participant phenotype was not available at the time of variant classification. Additional details can be found in publication PMID: 35346344, PMCID: PMC8962531

CHEO Genetics Diagnostic Laboratory, Children's Hospital of Eastern Ontario
Classification: Likely benign for Cardiomyopathy. Last evaluated: 2023-05-26. Review status: criteria provided, single submitter. Criteria: ACMG Guidelines, 2015. Collection method: clinical testing. Allele origin: germline.

Ambry Genetics
Classification: Likely benign for Cardiovascular phenotype. Last evaluated: 2023-01-10. Review status: criteria provided, single submitter. Criteria: Ambry Variant Classification Scheme 2023. Collection method: clinical testing. Allele origin: germline.

Revvity Omics, Revvity
Classification: Uncertain significance. Last evaluated: 2022-05-20. Review status: criteria provided, single submitter. Criteria: ACMG Guidelines, 2015. Collection method: clinical testing. Allele origin: germline.

Color Diagnostics, LLC DBA Color Health
Classification: Likely benign for Cardiomyopathy. Last evaluated: 2019-10-28. Review status: criteria provided, single submitter. Criteria: ACMG Guidelines, 2015. Collection method: clinical testing. Allele origin: germline.

GeneDx
Classification: Likely benign. Last evaluated: 2019-08-22. Review status: criteria provided, single submitter. Criteria: GeneDx Variant Classification Process June 2021. Collection method: clinical testing. Allele origin: germline. Affected: yes.
Comment: This variant is associated with the following publications: (PMID: 26383259, 26743238)

Klaassen Lab, Charite University Medicine Berlin
Classification: Uncertain significance for Familial restrictive cardiomyopathy. Last evaluated: 2019-07-03. Review status: criteria provided, single submitter. Criteria: ACMG Guidelines, 2015. Collection method: research. Allele origin: germline. Affected: yes.

Illumina Laboratory Services, Illumina
Classification: Uncertain significance for Arrhythmogenic right ventricular dysplasia 8. Last evaluated: 2018-01-12. Review status: criteria provided, single submitter. Criteria: ICSL Variant Classification Criteria 13 December 2019. Collection method: clinical testing. Allele origin: germline.

Illumina Laboratory Services, Illumina
Classification: Uncertain significance for Arrhythmogenic cardiomyopathy with wooly hair and keratoderma. Last evaluated: 2018-01-12. Review status: criteria provided, single submitter. Criteria: ICSL Variant Classification Criteria 13 December 2019. Collection method: clinical testing. Allele origin: germline.

Illumina Laboratory Services, Illumina
Classification: Uncertain significance for Lethal acantholytic epidermolysis bullosa. Last evaluated: 2018-01-12. Review status: criteria provided, single submitter. Criteria: ICSL Variant Classification Criteria 13 December 2019. Collection method: clinical testing. Allele origin: germline.

Laboratory for Molecular Medicine, Mass General Brigham Personalized Medicine
Classification: Uncertain significance. Last evaluated: 2015-03-18. Review status: criteria provided, single submitter. Criteria: LMM Criteria. Collection method: clinical testing. Allele origin: germline. Observed: 1 variant allele.
Comment: The p.Arg925Gln variant in DSP has not been previously reported in individuals w ith cardiomyopathy, but has been identified in up to 0.2% of chromosomes (13/667 32) from multiple ethnic groups curated by the Exome Aggregation Consortium (ExA C; dbSNP rs139799237). Computational prediction tools and conservation analysis do not provide strong support for or against an impact to the protein. In summary, the clinical significance of the p.Arg925Gln variant is uncertain.

Literature cited by the submitters: PubMed 26743238 (cited by Women's Health and Genetics/Laboratory Corporation of America, LabCorp and Ambry Genetics); PubMed 26383259 (cited by Women's Health and Genetics/Laboratory Corporation of America, LabCorp and Ambry Genetics); PubMed 31568572 (cited by 3 submitters); PubMed 31333075 (cited by Ambry Genetics and Klaassen Lab, Charite University Medicine Berlin).

NM_004415.4(DSP):c.2774G>A (p.Arg925Gln)

Gene: DSP (desmoplakin; plus strand). Cytogenetic location: 6p24.3.
Variant type: single nucleotide variant.
Coding change: c.2774G>A on transcript NM_004415.4 (MANE Select); coding-DNA position 2774, G replaced by A.
Protein change: p.Arg925Gln; replaces arginine 925 with glutamine.
Molecular consequence: missense variant.
Genome position (GRCh38, 1-based): chr6:7,576,437, G>A. VCF-style: chr6-7576437-G-A. GRCh37 (hg19) VCF-style: chr6-7576670-G-A.
Other names: p.R925Q:CGG>CAG; c.2774G>A, p.Arg925Gln (NM_001008844.3, NM_001319034.2); short protein forms R925Q.
Identifiers: ClinVar variation 199875 (VCV000199875.65), dbSNP rs139799237, ClinGen allele CA005594.